The following is an entry in ClinVar:

NM_001130823.3(DNMT1):c.3394+13A>G

Gene: DNMT1 (DNA methyltransferase 1; minus strand). Cytogenetic location: 19p13.2.
Variant type: single nucleotide variant.
Coding change: c.3394+13A>G on transcript NM_001130823.3 (MANE Select); 13 bases into the intron after coding-DNA position 3394, A replaced by G.
Molecular consequence: intron variant.
Genome position (GRCh38, 1-based): chr19:10,141,092, T>C on the plus strand (A>G on the coding strand, the complement: DNMT1 is on the minus strand). VCF-style: chr19-10141092-T-C. GRCh37 (hg19) VCF-style: chr19-10251768-T-C.
Other names: c.3031+13A>G (NM_001318731.2); c.3346+13A>G (NM_001379.4, NM_001318730.2).
Identifiers: ClinVar variation 1467631 (VCV001467631.6), dbSNP rs2145267751, ClinGen allele CA2573155510.

ClinVar aggregate classification (germline): Uncertain significance (1 of 4 stars; one submission).

Conditions:
Hereditary sensory neuropathy-deafness-dementia syndrome. Also called: NEUROPATHY, HEREDITARY SENSORY, WITH HEARING LOSS AND DEMENTIA; Hereditary Sensory and Autonomic Neuropathy Type 1E (HSAN1E); HSN IE; Hereditary sensory neuropathy type IE. Identifiers: Orphanet 456318, MedGen C3279885, MONDO:0013584, OMIM 614116.

Allele frequency attached by ClinVar (database versions not stated): gnomAD exomes 0.00003.
gnomAD v4.1: 45 of 1,613,974 alleles (0.0028%); highest among the groups gnomAD compares: Non-Finnish European, 0.0038%; no homozygotes.

Submission:

Labcorp Genetics (formerly Invitae), Labcorp
Classification: Uncertain significance for Hereditary sensory neuropathy-deafness-dementia syndrome. Last evaluated: 2021-12-13. Review status: criteria provided, single submitter. Criteria: Invitae Variant Classification Sherloc (09022015). Collection method: clinical testing. Allele origin: germline.
Comment: Algorithms developed to predict the effect of sequence changes on RNA splicing suggest that this variant may create or strengthen a splice site. This sequence change falls in intron 31 of the DNMT1 gene. It does not directly change the encoded amino acid sequence of the DNMT1 protein. This variant is not present in population databases (gnomAD no frequency). This variant has not been reported in the literature in individuals affected with DNMT1-related conditions. In summary, the available evidence is currently insufficient to determine the role of this variant in disease. Therefore, it has been classified as a Variant of Uncertain Significance.